The following is an entry in ClinVar:

ClinVar aggregate classification (germline): Uncertain significance. Review status: criteria provided, multiple submitters, no conflicts (2 of 4 stars). 4 submissions from 4 submitters: Uncertain significance (4). Last evaluated 2025-11-13.

Conditions:
Cardiomyopathy (CMYO). Also called: Cardiomyopathies. Identifiers: Orphanet 167848, MedGen C0878544, MONDO:0004994, HP:0001638. Inheritance: Various modes of inheritance.
Catecholaminergic polymorphic ventricular tachycardia (CVPT). Also called: Catecholamine-induced polymorphic ventricular tachycardia. Identifiers: Orphanet 3286, MedGen C5574922, MONDO:0017990.
Catecholaminergic polymorphic ventricular tachycardia 1. Also called: VENTRICULAR TACHYCARDIA, CATECHOLAMINERGIC POLYMORPHIC, 1, WITH OR WITHOUT ATRIAL DYSFUNCTION AND/OR DILATED CARDIOMYOPATHY; RYR2-Related Catecholaminergic Polymorphic Ventricular Tachycardia; VENTRICULAR TACHYCARDIA, STRESS-INDUCED POLYMORPHIC 1. Identifiers: Orphanet 3286, MedGen C1631597, MONDO:0011484, OMIM 604772.

Allele frequency attached by ClinVar (database versions not stated): gnomAD exomes below 0.00001; TOPMed 0.00001; gnomAD 0.00002.
gnomAD v4.1: 6 of 1,613,828 alleles (0.00037%); highest among the groups gnomAD compares: Non-Finnish European, 0.00042%; no homozygotes.

Submissions (4):

Labcorp Genetics (formerly Invitae), Labcorp
Classification: Uncertain significance for Catecholaminergic polymorphic ventricular tachycardia 1. Last evaluated: 2025-11-13. Review status: criteria provided, single submitter. Criteria: Invitae Variant Classification Sherloc (09022015). Collection method: clinical testing. Allele origin: germline.
Comment: This sequence change replaces threonine, which is neutral and polar, with alanine, which is neutral and non-polar, at codon 751 of the RYR2 protein (p.Thr751Ala). This variant is present in population databases (no rsID available, gnomAD 0.01%). This variant has not been reported in the literature in individuals affected with RYR2-related conditions. ClinVar contains an entry for this variant (Variation ID: 238227). Invitae Evidence Modeling of protein sequence and biophysical properties (such as structural, functional, and spatial information, amino acid conservation, physicochemical variation, residue mobility, and thermodynamic stability) indicates that this missense variant is not expected to disrupt RYR2 protein function with a negative predictive value of 95%. In summary, the available evidence is currently insufficient to determine the role of this variant in disease. Therefore, it has been classified as a Variant of Uncertain Significance.

Color Diagnostics, LLC DBA Color Health
Classification: Uncertain significance for Cardiomyopathy. Last evaluated: 2024-03-06. Review status: criteria provided, single submitter. Criteria: ACMG Guidelines, 2015. Collection method: clinical testing. Allele origin: germline.
Comment: This missense variant replaces threonine with alanine at codon 751 of the RYR2 protein. Computational prediction suggests that this variant may not impact protein structure and function (internally defined REVEL score threshold <= 0.5, PMID: 27666373). To our knowledge, functional studies have not been reported for this variant. This variant has not been reported in individuals affected with RYR2-related disorders in the literature. This variant has been identified in 1/31398 chromosomes in the general population by the Genome Aggregation Database (gnomAD). The available evidence is insufficient to determine the role of this variant in disease conclusively. Therefore, this variant is classified as a Variant of Uncertain Significance.

All of Us Research Program, National Institutes of Health
Classification: Uncertain significance for Catecholaminergic polymorphic ventricular tachycardia. Last evaluated: 2024-02-05. Review status: criteria provided, single submitter. Criteria: ACMG Guidelines, 2015. Collection method: clinical testing. Allele origin: germline. Inheritance: Autosomal dominant inheritance. Observed: 4 variant alleles, 4 heterozygotes.
Comment: This missense variant replaces threonine with alanine at codon 751 of the RYR2 protein. Computational prediction tools and conservation analyses are inconclusive regarding the impact of this variant on the protein function. Computational splicing tools suggest that this variant may not impact RNA splicing. To our knowledge, functional assays have not been performed for this variant nor has this variant been reported in individuals affected with cardiovascular disorders in the literature. This variant has been identified in 1/31398 chromosomes in the general population by the Genome Aggregation Database (gnomAD). Available evidence is insufficient to determine the role of this variant in disease conclusively. Therefore, this variant is classified as a Variant of Uncertain Significance.

This study involves interpretation of variants in research participants for the purpose of population health screening. Participant phenotype was not available at the time of variant classification. Additional details can be found in publication PMID: 35346344, PMCID: PMC8962531

GeneDx
Classification: Uncertain significance. Last evaluated: 2017-01-16. Review status: criteria provided, single submitter. Criteria: GeneDx Variant Classification (06012015). Collection method: clinical testing. Allele origin: germline. Affected: yes.
Comment: A variant of uncertain significance has been identified in the RYR2 gene. The T751A variant has not been published as a pathogenic variant, nor has it been reported as a benign variant to our knowledge. This variant was not observed in approximately 6,100 individuals of European and African American ancestry in the NHLBI Exome Sequencing Project, indicating it is not a common benign variant in these populations. The T751A variant is a non-conservative amino acid substitution, which is likely to impact secondary protein structure as these residues differ in polarity, charge, size and/or other properties. This substitution occurs at a position that is conserved in mammals. However, Alanine is the wild-type amino acid at this position in at least three species. In addition, in silico analysis is inconsistent in its predictions as to whether or not the variant is damaging to the protein structure/function. Furthermore, the T751A variant is not located in one of the three hot-spot regions of the RYR2 gene, where the majority of pathogenic missense variants occur (Medeiros-Domingo et al., 2009).

NM_001035.3(RYR2):c.2251A>G (p.Thr751Ala)

Gene: RYR2 (ryanodine receptor 2; plus strand). Cytogenetic location: 1q43.
Variant type: single nucleotide variant.
Coding change: c.2251A>G on transcript NM_001035.3 (MANE Select); coding-DNA position 2251, A replaced by G.
Protein change: p.Thr751Ala; replaces threonine 751 with alanine.
Molecular consequence: missense variant.
Genome position (GRCh38, 1-based): chr1:237,500,758, A>G. VCF-style: chr1-237500758-A-G. GRCh37 (hg19) VCF-style: chr1-237664058-A-G.
Other names: c.2251A>G, p.Thr751Ala (LRG_402t1); short protein forms T751A.
Identifiers: ClinVar variation 238227 (VCV000238227.15), dbSNP rs878854154, ClinGen allele CA10581774.